The following is an entry in ClinVar:

ClinVar aggregate classification (germline): Uncertain significance. Review status: criteria provided, multiple submitters, no conflicts (2 of 4 stars). 3 submissions from 3 submitters: Uncertain significance (3). Last evaluated 2025-11-20.

Allele frequency attached by ClinVar (database versions not stated): gnomAD 0.00001; ExAC 0.00002; gnomAD exomes 0.00002; TOPMed 0.00003.
gnomAD v4.1: 33 of 1,614,094 alleles (0.002%); highest among the groups gnomAD compares: Middle Eastern, 0.12%; no homozygotes.

Submissions (3):

Labcorp Genetics (formerly Invitae), Labcorp
Classification: Uncertain significance. Last evaluated: 2025-11-20. Review status: criteria provided, single submitter. Criteria: Invitae Variant Classification Sherloc (09022015). Collection method: clinical testing. Allele origin: germline.
Comment: This sequence change replaces arginine, which is basic and polar, with serine, which is neutral and polar, at codon 318 of the RINT1 protein (p.Arg318Ser). This variant is present in population databases (rs752595144, gnomAD 0.04%). This variant has not been reported in the literature in individuals affected with RINT1-related conditions. ClinVar contains an entry for this variant (Variation ID: 646330). An algorithm developed to predict the effect of missense changes on protein structure and function (PolyPhen-2) suggests that this variant is likely to be disruptive. Algorithms developed to predict the effect of sequence changes on RNA splicing suggest that this variant may create or strengthen a splice site. In summary, the available evidence is currently insufficient to determine the role of this variant in disease. Therefore, it has been classified as a Variant of Uncertain Significance.

Ambry Genetics
Classification: Uncertain significance. Last evaluated: 2024-10-11. Review status: criteria provided, single submitter. Criteria: Ambry Variant Classification Scheme 2023. Collection method: clinical testing. Allele origin: germline.
Comment: The p.R318S variant (also known as c.954G>C), located in coding exon 7 of the RINT1 gene, results from a G to C substitution at nucleotide position 954. The arginine at codon 318 is replaced by serine, an amino acid with dissimilar properties. This amino acid position is highly conserved in available vertebrate species. In addition, the in silico prediction for this alteration is inconclusive. Since supporting evidence is limited at this time, the clinical significance of this alteration remains unclear.

Breakthrough Genomics
Classification: Uncertain significance. Review status: criteria provided, single submitter. Criteria: ACMG Guidelines, 2015. Collection method: not provided. Allele origin: germline. Inheritance: Autosomal recessive inheritance. Affected: yes.

NM_021930.6(RINT1):c.954G>C (p.Arg318Ser)

Gene: RINT1 (RAD50 interactor 1; plus strand). Cytogenetic location: 7q22.3.
Variant type: single nucleotide variant.
Coding change: c.954G>C on transcript NM_021930.6 (MANE Select); coding-DNA position 954, G replaced by C.
Protein change: p.Arg318Ser; replaces arginine 318 with serine.
Molecular consequence: missense variant. On other transcripts: 5 prime UTR variant (1), non-coding transcript variant (1), intron variant (1).
Genome position (GRCh38, 1-based): chr7:105,548,668, G>C. VCF-style: chr7-105548668-G-C. GRCh37 (hg19) VCF-style: chr7-105189115-G-C.
Other names: c.720G>C, p.Arg240Ser (NM_001346599.2); c.-66G>C (NM_001346600.2); c.30G>C, p.Arg10Ser (NM_001346601.2); c.-27-1387G>C (NM_001346603.2); short protein forms R240S, R10S, R318S.
Identifiers: ClinVar variation 646330 (VCV000646330.13), dbSNP rs752595144, ClinGen allele CA4426565.
Genomic context (GRCh38, chr7:105,548,668, plus strand): 5'-CTCCCCTTCTGTCATCCTGCCCATCCAGGTTATGCTGACTCCTCTTCAGAAGAGGTTCAG[G>C]TATCACTTCAGAGGGAACCGGCAGACTAATGTGTTAAGCAAGGTGTGTTTTGCCAGCTCT-3'
Protein context (NP_068749.3, residues 308-328): VMLTPLQKRF[Arg318Ser]YHFRGNRQTN